The following is an entry in ClinVar:

NM_002578.5(PAK3):c.964A>C (p.Asn322His)

Gene: PAK3 (p21 (RAC1) activated kinase 3; plus strand). Cytogenetic location: Xq23.
Variant type: single nucleotide variant.
Coding change: c.964A>C on transcript NM_002578.5 (MANE Select); coding-DNA position 964, A replaced by C.
Protein change: p.Asn322His; replaces asparagine 322 with histidine.
Molecular consequence: missense variant. On other transcripts: non-coding transcript variant (2).
Genome position (GRCh38, 1-based): chrX:111,192,590, A>C. VCF-style: chrX-111192590-A-C. GRCh37 (hg19) VCF-style: chrX-110435818-A-C.
Other names: p.Asn322His; c.964A>C, p.Asn322His (NM_001128166.3, NM_001128167.3, NM_001324325.2 and 5 more transcripts); c.1072A>C, p.Asn358His (NM_001128168.3); c.1027A>C, p.Asn343His (NM_001128172.2); c.1009A>C, p.Asn337His (NM_001128173.3, NM_001324327.2, NM_001324328.2 and 2 more transcripts); short protein forms N322H, N337H, N343H, N358H.
Identifiers: ClinVar variation 4684533 (VCV004684533.1).

ClinVar aggregate classification (germline): Likely benign (1 of 4 stars; one submission).

gnomAD v4.1: 47 of 1,021,691 alleles (0.0046%); highest among the groups gnomAD compares: Non-Finnish European, 0.0062%; no homozygotes.

Submission:

Mayo Clinic Laboratories, Mayo Clinic
Classification: Likely benign. Last evaluated: 2025-03-12. Review status: criteria provided, single submitter. Criteria: ACMG Guidelines, 2015. Collection method: clinical testing. Allele origin: germline. Observed: 1 variant allele.
Comment: BS2, BP4